The following is an entry in ClinVar:

ClinVar aggregate classification (germline): Uncertain significance (1 of 4 stars; one submission).

Submission:

GeneDx
Classification: Uncertain significance. Last evaluated: 2023-10-30. Review status: criteria provided, single submitter. Criteria: GeneDx Variant Classification Process June 2021. Collection method: clinical testing. Allele origin: germline. Affected: yes.
Comment: Not observed at significant frequency in large population cohorts (gnomAD); In silico analysis supports that this missense variant does not alter protein structure/function; Has not been previously published as pathogenic or benign to our knowledge

NM_001326342.2(CELF2):c.1157C>G (p.Thr386Arg)

Genes: CELF2 (CUGBP Elav-like family member 2; plus strand), CELF2-AS1 (CELF2 antisense RNA 1; minus strand). Cytogenetic location: 10p14.
Variant type: single nucleotide variant.
Coding change: c.1157C>G on transcript NM_001326342.2 (MANE Select); coding-DNA position 1157, C replaced by G.
Protein change: p.Thr386Arg; replaces threonine 386 with arginine.
Molecular consequence: missense variant. On other transcripts: intron variant (1).
Genome position (GRCh38, 1-based): chr10:11,321,249, C>G. VCF-style: chr10-11321249-C-G. GRCh37 (hg19) VCF-style: chr10-11363212-C-G.
Other names: c.1064C>G, p.Thr355Arg (NM_001025076.2, NM_001326318.2, NM_001326320.2 and 6 more transcripts); c.1118C>G, p.Thr373Arg (NM_001025077.3, NM_001326319.2, NM_001326332.2); c.1058C>G, p.Thr353Arg (NM_001083591.1); c.1046C>G, p.Thr349Arg (NM_001326317.2, NM_001326329.2, NM_001326344.2 and 2 more transcripts); c.1088C>G, p.Thr363Arg (NM_001326321.2); c.1106C>G, p.Thr369Arg (NM_001326323.2); c.1211C>G, p.Thr404Arg (NM_001326325.2, NM_001326343.2); c.1154C>G, p.Thr385Arg (NM_001326326.2); and 14 more; short protein forms T145R, T151R, T262R, T268R, T349R, T353R, T355R, T361R.
Identifiers: ClinVar variation 3363634 (VCV003363634.1).